The following is an entry in ClinVar:

ClinVar aggregate classification (germline): Uncertain significance. Review status: criteria provided, single submitter (1 of 4 stars). 2 submissions from 2 submitters: Uncertain significance (1). 1 of the submissions does not count toward it. Last evaluated 2022-06-20.

Conditions:
Zellweger spectrum disorders (ZS). Also called: Zellweger syndrome; Zellweger Spectrum Disorder; Zellweger Spectrum; Zellweger Spectrum Disorder (ZSD). Identifiers: Orphanet 912, MedGen C0043459, MONDO:0019609.
Peroxisome biogenesis disorder. Identifiers: Orphanet 79189, MedGen C1832200, MONDO:0019234. Disease mechanism: loss of function.

Submissions (2):

Labcorp Genetics (formerly Invitae), Labcorp
Classification: Uncertain significance for Peroxisome biogenesis disorder. Last evaluated: 2022-06-20. Review status: criteria provided, single submitter. Criteria: Invitae Variant Classification Sherloc (09022015). Collection method: clinical testing. Allele origin: germline.
Comment: This sequence change replaces proline, which is neutral and non-polar, with arginine, which is basic and polar, at codon 939 of the PEX6 protein (p.Pro939Arg). This variant is not present in population databases (gnomAD no frequency). This variant has not been reported in the literature in individuals affected with PEX6-related conditions. ClinVar contains an entry for this variant (Variation ID: 1035564). Algorithms developed to predict the effect of missense changes on protein structure and function (SIFT, PolyPhen-2, Align-GVGD) all suggest that this variant is likely to be tolerated. In summary, the available evidence is currently insufficient to determine the role of this variant in disease. Therefore, it has been classified as a Variant of Uncertain Significance.

Natera, Inc.
Classification: Uncertain significance for Zellweger syndrome. Last evaluated: 2021-04-20. Review status: no assertion criteria provided. Collection method: clinical testing. Allele origin: germline. Not counted in ClinVar's aggregate classification.

NM_000287.4(PEX6):c.2816C>G (p.Pro939Arg)

Gene: PEX6 (peroxisomal biogenesis factor 6; minus strand). Cytogenetic location: 6p21.1.
Variant type: single nucleotide variant.
Coding change: c.2816C>G on transcript NM_000287.4 (MANE Select); coding-DNA position 2816, C replaced by G.
Protein change: p.Pro939Arg; replaces proline 939 with arginine.
Molecular consequence: missense variant. On other transcripts: non-coding transcript variant (1).
Genome position (GRCh38, 1-based): chr6:42,964,462, G>C on the plus strand (C>G on the coding strand, the complement: PEX6 is on the minus strand). VCF-style: chr6-42964462-G-C. GRCh37 (hg19) VCF-style: chr6-42932200-G-C.
Other names: c.2552C>G, p.Pro851Arg (NM_001316313.2); short protein forms P851R, P939R.
Identifiers: ClinVar variation 1035564 (VCV001035564.7), dbSNP rs1129187, ClinGen allele CA3810890.